The following is an entry in ClinVar:

ClinVar aggregate classification (germline): Uncertain significance. Review status: criteria provided, multiple submitters, no conflicts (2 of 4 stars). 2 submissions from 2 submitters: Uncertain significance (2). Last evaluated 2024-06-10.

Conditions:
Inborn genetic diseases. Identifiers: MedGen C0950123, MeSH D030342.
Evans syndrome, immunodeficiency, and premature immunosenescence associated with tripeptidyl-peptidase II deficiency. Identifiers: MedGen CN231723. Disease mechanism: loss of function.

Allele frequency attached by ClinVar (database versions not stated): gnomAD 0.00001; TOPMed 0.00001.

Submissions (2):

Ambry Genetics
Classification: Uncertain significance for Inborn genetic diseases. Last evaluated: 2024-06-10. Review status: criteria provided, single submitter. Criteria: Ambry Variant Classification Scheme 2023. Collection method: clinical testing. Allele origin: germline.

Labcorp Genetics (formerly Invitae), Labcorp
Classification: Uncertain significance for Evans syndrome, immunodeficiency, and premature immunosenescence associated with tripeptidyl-peptidase II deficiency. Last evaluated: 2020-10-21. Review status: criteria provided, single submitter. Criteria: Invitae Variant Classification Sherloc (09022015). Collection method: clinical testing. Allele origin: germline.
Comment: In summary, the available evidence is currently insufficient to determine the role of this variant in disease. Therefore, it has been classified as a Variant of Uncertain Significance. Algorithms developed to predict the effect of missense changes on protein structure and function are either unavailable or do not agree on the potential impact of this missense change (SIFT: "Tolerated"; PolyPhen-2: "Possibly Damaging"; Align-GVGD: "Class C0"). This variant has not been reported in the literature in individuals with TPP2-related conditions. This variant is not present in population databases (ExAC no frequency). This sequence change replaces glutamine with arginine at codon 290 of the TPP2 protein (p.Gln290Arg). The glutamine residue is highly conserved and there is a small physicochemical difference between glutamine and arginine.

NM_001330588.2(TPP2):c.869A>G (p.Gln290Arg)

Gene: TPP2 (tripeptidyl peptidase 2; plus strand). Cytogenetic location: 13q33.1.
Variant type: single nucleotide variant.
Coding change: c.869A>G on transcript NM_001330588.2 (MANE Select); coding-DNA position 869, A replaced by G.
Protein change: p.Gln290Arg; replaces glutamine 290 with arginine.
Molecular consequence: missense variant. On other transcripts: non-coding transcript variant (1).
Genome position (GRCh38, 1-based): chr13:102,627,096, A>G. VCF-style: chr13-102627096-A-G. GRCh37 (hg19) VCF-style: chr13-103279446-A-G.
Other names: c.869A>G, p.Gln290Arg (NM_001367947.1, NM_003291.4); c.869A>G (NM_003291.2); short protein forms Q290R.
Identifiers: ClinVar variation 1051241 (VCV001051241.9), dbSNP rs1881678610, ClinGen allele CA388480040.